The following is an entry in ClinVar:

ClinVar aggregate classification (germline): Benign/Likely benign. Review status: criteria provided, multiple submitters, no conflicts (2 of 4 stars). 5 submissions from 5 submitters: Benign (1); Likely benign (3). 1 of the submissions does not count toward it. Last evaluated 2025-01-13.

Conditions:
Hereditary cancer-predisposing syndrome. Also called: Neoplastic Syndromes, Hereditary; Tumor predisposition; Hereditary Cancer Syndrome; Hereditary neoplastic syndrome. Identifiers: Orphanet 140162, MedGen C0027672, MeSH D009386, MONDO:0015356.
Familial cancer of breast. Also called: BREAST CANCER, FAMILIAL; Hereditary breast cancer; hereditary breast carcinoma. Identifiers: Orphanet 227535, MedGen C0346153, MONDO:0016419, OMIM 114480. Disease mechanism: loss of function.
Ataxia-telangiectasia syndrome (AT). Also called: LOUIS-BAR SYNDROME; Cerebello-oculocutaneous telangiectasia; Immunodeficiency with ataxia telangiectasia; Ataxia-telangiectasia, complementation group D; AT, COMPLEMENTATION GROUP C; ATAXIA-TELANGIECTASIA, COMPLEMENTATION GROUP A. Identifiers: Orphanet 100, MedGen C0004135, MONDO:0008840, OMIM 208900.

gnomAD v4.1: 1 of 1,613,286 alleles (0.000062%); highest among the groups gnomAD compares: South Asian, 0.0011%; no homozygotes.

Submissions (5):

Color Diagnostics, LLC DBA Color Health
Classification: Likely benign for Hereditary cancer-predisposing syndrome. Last evaluated: 2025-01-13. Review status: criteria provided, single submitter. Criteria: ACMG Guidelines, 2015. Collection method: clinical testing. Allele origin: germline.

Labcorp Genetics (formerly Invitae), Labcorp
Classification: Likely benign for Ataxia-telangiectasia syndrome. Last evaluated: 2024-07-24. Review status: criteria provided, single submitter. Criteria: Invitae Variant Classification Sherloc (09022015). Collection method: clinical testing. Allele origin: germline.

Myriad Genetics, Inc.
Classification: Benign for Familial cancer of breast. Last evaluated: 2024-05-16. Review status: criteria provided, single submitter. Criteria: Myriad Autosomal Dominant, Autosomal Recessive and X-Linked Classification Criteria (2023). Collection method: clinical testing. Allele origin: unknown.
Comment: This variant is considered benign. This variant is a silent/synonymous amino acid change and it is not expected to impact splicing.

Ambry Genetics
Classification: Likely benign for Hereditary cancer-predisposing syndrome. Last evaluated: 2022-06-24. Review status: criteria provided, single submitter. Criteria: Ambry Variant Classification Scheme 2023. Collection method: clinical testing. Allele origin: germline.

Natera, Inc.
Classification: Uncertain significance for Ataxia-telangiectasia. Last evaluated: 2025-04-29. Review status: no assertion criteria provided. Collection method: clinical testing. Allele origin: germline. Not counted in ClinVar's aggregate classification.

NM_000051.4(ATM):c.4149G>C (p.Ser1383=)

Gene: ATM (ATM serine/threonine kinase; plus strand). Cytogenetic location: 11q22.3.
Variant type: single nucleotide variant.
Coding change: c.4149G>C on transcript NM_000051.4 (MANE Select); coding-DNA position 4149, G replaced by C.
Protein change: p.Ser1383=; no amino-acid change (serine 1383 retained).
Molecular consequence: synonymous variant.
Genome position (GRCh38, 1-based): chr11:108,289,016, G>C. VCF-style: chr11-108289016-G-C. GRCh37 (hg19) VCF-style: chr11-108159743-G-C.
Other names: c.4149G>C, p.Ser1383= (NM_001351834.2).
Identifiers: ClinVar variation 1738220 (VCV001738220.7), dbSNP rs749180334, ClinGen allele CA476673694.
Genomic context (GRCh38, chr11:108,289,016, plus strand): 5'-TTTTTCCCTTAACTCTGTTAGGGATTTGGATCCTGCTCCTAATCCACCTCATTTTCCATC[G>C]CATGTGATTAAAGCAACATTTGCCTATATCAGCAATTGTCATAAAACCAAGTTAAAAAGC-3'
Protein context (NP_000042.3, residues 1373-1393): DPAPNPPHFP[Ser1383=]HVIKATFAYI